The following is an entry in ClinVar:

ClinVar aggregate classification (germline): Uncertain significance (1 of 4 stars; one submission).

Allele frequency attached by ClinVar (database versions not stated): gnomAD exomes below 0.00001.

Submission:

GeneDx
Classification: Uncertain significance. Last evaluated: 2013-10-14. Review status: criteria provided, single submitter. Criteria: GeneDx Variant Classification (06012015). Collection method: clinical testing. Allele origin: germline. Affected: yes.
Comment: p.His134Tyr (CAC>TAC): c.400 C>T in exon 5 of the TIMM44 gene (NM_006351.3). The H134Y (c.400 C>T) sequence change has not been published as a mutation, nor has it been reported as a benign polymorphism to our knowledge. The H134Y amino acid change is non-conservative as a positively charged Histidine residue is replaced by an uncharged Tyrosine residue. This change occurs at a position in the TIMM44 gene that is not well conserved, and multiple in-silico analysis programs predict that H134Y is a benign sequence change. However, in-silico splice prediction models predict that the c.400 C>T nucleotide substitution may affect gene splicing, although the true effect of c.400 C>T on splicing in vivo is not known. Therefore, based on the currently available information, it is unclear whether H134Y (c.400 C>T) is a disease-causing mutation or a rare benign variant. The variant is found in MITONUC-MITOP panel(s).

NM_006351.4(TIMM44):c.400C>T (p.His134Tyr)

Gene: TIMM44 (translocase of inner mitochondrial membrane 44; minus strand). Cytogenetic location: 19p13.2.
Variant type: single nucleotide variant.
Coding change: c.400C>T on transcript NM_006351.4 (MANE Select); coding-DNA position 400, C replaced by T.
Protein change: p.His134Tyr; replaces histidine 134 with tyrosine.
Molecular consequence: missense variant.
Genome position (GRCh38, 1-based): chr19:7,934,232, G>A on the plus strand (C>T on the coding strand, the complement: TIMM44 is on the minus strand). VCF-style: chr19-7934232-G-A. GRCh37 (hg19) VCF-style: chr19-7999117-G-A.
Other names: short protein forms H134Y.
Identifiers: ClinVar variation 215254 (VCV000215254.2), dbSNP rs863224232, ClinGen allele CA321830.